The following is an entry in ClinVar:

NM_001009944.3(PKD1):c.11906G>T (p.Gly3969Val)

Gene: PKD1 (polycystin 1, transient receptor potential channel interacting; minus strand). Cytogenetic location: 16p13.3.
Variant type: single nucleotide variant.
Coding change: c.11906G>T on transcript NM_001009944.3 (MANE Select); coding-DNA position 11906, G replaced by T.
Protein change: p.Gly3969Val; replaces glycine 3969 with valine.
Molecular consequence: missense variant.
Genome position (GRCh38, 1-based): chr16:2,090,981, C>A on the plus strand (G>T on the coding strand, the complement: PKD1 is on the minus strand). VCF-style: chr16-2090981-C-A. GRCh37 (hg19) VCF-style: chr16-2140982-C-A.
Other names: c.11903G>T (NM_000296.3); c.11903G>T, p.Gly3968Val (NM_000296.4); short protein forms G3968V, G3969V.
Identifiers: ClinVar variation 1707163 (VCV001707163.6), dbSNP rs752098759, ClinGen allele CA7828945.

ClinVar aggregate classification (germline): Conflicting classifications of pathogenicity. Review status: criteria provided, conflicting classifications (1 of 4 stars). 4 submissions from 4 submitters: Uncertain significance (3); Likely benign (1). Last evaluated 2025-07-07.

Conditions:
Inborn genetic diseases. Identifiers: MedGen C0950123, MeSH D030342.
PKD1-related disorder. Also called: PKD1-related condition.

gnomAD v4.1: 17 of 1,537,560 alleles (0.0011%); highest among the groups gnomAD compares: Admixed American, 0.027%; no homozygotes.

Submissions (4):

Women's Health and Genetics/Laboratory Corporation of America, LabCorp
Classification: Uncertain significance. Last evaluated: 2025-07-07. Review status: criteria provided, single submitter. Criteria: LabCorp Variant Classification Summary - May 2015. Collection method: clinical testing. Allele origin: germline.
Comment: Variant summary: PKD1 c.11906G>T (p.Gly3969Val) results in a non-conservative amino acid change in the encoded protein sequence. Algorithms developed to predict the effect of missense changes on protein structure and function are either unavailable or do not agree on the potential impact of this missense change. The variant allele was found at a frequency of 0.00011 in 132424 control chromosomes (gnomAD). This frequency is not significantly higher than estimated for a pathogenic variant in PKD1 causing PKD1-Biallelic Autosomal Recessive Polycystic Kidney Disease, allowing no conclusion about variant significance. To our knowledge, no occurrence of c.11906G>T in individuals affected with Polycystic Kidney Disease and no experimental evidence demonstrating its impact on protein function have been reported. ClinVar contains an entry for this variant (Variation ID: 1707163). Based on the evidence outlined above, the variant was classified as uncertain significance.

Ambry Genetics
Classification: Uncertain significance for Inborn genetic diseases. Last evaluated: 2025-02-23. Review status: criteria provided, single submitter. Criteria: Ambry Variant Classification Scheme 2023. Collection method: clinical testing. Allele origin: germline.

PreventionGenetics, part of Exact Sciences
Classification: Likely benign for PKD1-related condition. Last evaluated: 2024-12-31. Review status: criteria provided, single submitter. Criteria: ACMG Guidelines, 2015. Collection method: clinical testing. Allele origin: germline.
Comment: This variant is classified as likely benign based on ACMG/AMP sequence variant interpretation guidelines (Richards et al. 2015 PMID: 25741868, with internal and published modifications).

GeneDx
Classification: Uncertain significance. Last evaluated: 2022-03-22. Review status: criteria provided, single submitter. Criteria: GeneDx Variant Classification Process June 2021. Collection method: clinical testing. Allele origin: germline. Affected: yes.
Comment: In silico analysis supports that this missense variant does not alter protein structure/function; Has not been previously published as pathogenic or benign to our knowledge